The following is an entry in ClinVar:

NM_000245.4(MET):c.979G>T (p.Ala327Ser)

Gene: MET (MET proto-oncogene, receptor tyrosine kinase; plus strand). Cytogenetic location: 7q31.2.
Variant type: single nucleotide variant.
Coding change: c.979G>T on transcript NM_000245.4 (MANE Select); coding-DNA position 979, G replaced by T.
Protein change: p.Ala327Ser; replaces alanine 327 with serine.
Molecular consequence: missense variant. On other transcripts: intron variant (1).
Genome position (GRCh38, 1-based): chr7:116,700,063, G>T. VCF-style: chr7-116700063-G-T. GRCh37 (hg19) VCF-style: chr7-116340117-G-T.
Other names: c.979G>T, p.Ala327Ser (NM_001127500.3, NM_001324401.3); c.-91+27486G>T (NM_001324402.2); short protein forms A327S.
Identifiers: ClinVar variation 1369344 (VCV001369344.8), dbSNP rs2116602432, ClinGen allele CA368970277.

ClinVar aggregate classification (germline): Uncertain significance (1 of 4 stars; one submission).

Conditions:
Renal cell carcinoma. Identifiers: Orphanet 217071, MedGen C0007134, MeSH D002292, MONDO:0005086, HP:0005584.

gnomAD v4.1: 1 of 1,613,516 alleles (0.000062%); no homozygotes.

Submission:

Labcorp Genetics (formerly Invitae), Labcorp
Classification: Uncertain significance for Renal cell carcinoma. Last evaluated: 2024-04-15. Review status: criteria provided, single submitter. Criteria: Invitae Variant Classification Sherloc (09022015). Collection method: clinical testing. Allele origin: germline.
Comment: This sequence change replaces alanine, which is neutral and non-polar, with serine, which is neutral and polar, at codon 327 of the MET protein (p.Ala327Ser). This variant is not present in population databases (gnomAD no frequency). This variant has not been reported in the literature in individuals affected with MET-related conditions. ClinVar contains an entry for this variant (Variation ID: 1369344). Advanced modeling of protein sequence and biophysical properties (such as structural, functional, and spatial information, amino acid conservation, physicochemical variation, residue mobility, and thermodynamic stability) performed at Invitae indicates that this missense variant is not expected to disrupt MET protein function with a negative predictive value of 80%. In summary, the available evidence is currently insufficient to determine the role of this variant in disease. Therefore, it has been classified as a Variant of Uncertain Significance.